The following is an entry in ClinVar:

ClinVar aggregate classification (germline): Uncertain significance (1 of 4 stars; one submission).

Allele frequency attached by ClinVar (database versions not stated): TOPMed below 0.00001; gnomAD 0.00001; gnomAD exomes 0.00001.
gnomAD v4.1: 9 of 1,613,442 alleles (0.00056%); highest among the groups gnomAD compares: Non-Finnish European, 0.00076%; no homozygotes.

Submission:

Labcorp Genetics (formerly Invitae), Labcorp
Classification: Uncertain significance. Last evaluated: 2021-09-02. Review status: criteria provided, single submitter. Criteria: Invitae Variant Classification Sherloc (09022015). Collection method: clinical testing. Allele origin: germline.
Comment: This sequence change replaces lysine with glutamic acid at codon 775 of the MTTP protein (p.Lys775Glu). The lysine residue is moderately conserved and there is a small physicochemical difference between lysine and glutamic acid. This variant is not present in population databases (ExAC no frequency). This variant has not been reported in the literature in individuals affected with MTTP-related conditions. Algorithms developed to predict the effect of missense changes on protein structure and function (SIFT, PolyPhen-2, Align-GVGD) all suggest that this variant is likely to be tolerated. In summary, the available evidence is currently insufficient to determine the role of this variant in disease. Therefore, it has been classified as a Variant of Uncertain Significance.

NM_001386140.1(MTTP):c.2323A>G (p.Lys775Glu)

Gene: MTTP (microsomal triglyceride transfer protein; plus strand). Cytogenetic location: 4q23.
Variant type: single nucleotide variant.
Coding change: c.2323A>G on transcript NM_001386140.1 (MANE Select); coding-DNA position 2323, A replaced by G.
Protein change: p.Lys775Glu; replaces lysine 775 with glutamic acid.
Molecular consequence: missense variant.
Genome position (GRCh38, 1-based): chr4:99,619,079, A>G. VCF-style: chr4-99619079-A-G. GRCh37 (hg19) VCF-style: chr4-100540236-A-G.
Other names: c.2323A>G, p.Lys775Glu (NM_000253.4); c.2074A>G, p.Lys692Glu (NM_001300785.2); short protein forms K692E, K775E.
Identifiers: ClinVar variation 2161100 (VCV002161100.1), dbSNP rs770787120, ClinGen allele CA102649460.